The following is an entry in ClinVar:

ClinVar aggregate classification (germline): Uncertain significance. Review status: criteria provided, multiple submitters, no conflicts (2 of 4 stars). 6 submissions from 6 submitters: Uncertain significance (6). Last evaluated 2025-01-21.

Conditions:
Brody myopathy. Also called: BRODY DISEASE. Identifiers: Orphanet 53347, MedGen C1832918, MONDO:0010977, OMIM 601003.

Allele frequency attached by ClinVar (database versions not stated): gnomAD exomes 0.00012 and 0.00015; ExAC 0.00015; gnomAD 0.00044 and 0.00049; TOPMed 0.00049; ESP Exome Variant Server 0.00062.
gnomAD v4.1: 243 of 1,613,868 alleles (0.015%); highest among the groups gnomAD compares: African/African-American, 0.13%; no homozygotes.

Submissions (6):

Labcorp Genetics (formerly Invitae), Labcorp
Classification: Uncertain significance for Brody myopathy. Last evaluated: 2025-01-21. Review status: criteria provided, single submitter. Criteria: Invitae Variant Classification Sherloc (09022015). Collection method: clinical testing. Allele origin: germline.
Comment: This sequence change replaces arginine, which is basic and polar, with glutamine, which is neutral and polar, at codon 403 of the ATP2A1 protein (p.Arg403Gln). This variant is present in population databases (rs149009015, gnomAD 0.2%). This variant has not been reported in the literature in individuals affected with ATP2A1-related conditions. ClinVar contains an entry for this variant (Variation ID: 318774). An algorithm developed to predict the effect of missense changes on protein structure and function (PolyPhen-2) suggests that this variant¬†is likely to be tolerated. In summary, the available evidence is currently insufficient to determine the role of this variant in disease. Therefore, it has been classified as a Variant of Uncertain Significance.

Revvity Omics, Revvity
Classification: Uncertain significance for Brody myopathy. Last evaluated: 2023-11-30. Review status: criteria provided, single submitter. Criteria: ACMG Guidelines, 2015. Collection method: clinical testing. Allele origin: germline.

GeneDx
Classification: Uncertain significance. Last evaluated: 2022-04-22. Review status: criteria provided, single submitter. Criteria: GeneDx Variant Classification Process June 2021. Collection method: clinical testing. Allele origin: germline. Affected: yes.
Comment: In silico analysis supports that this missense variant does not alter protein structure/function; Has not been previously published as pathogenic or benign to our knowledge

Laboratorio de Genetica e Diagnostico Molecular, Hospital Israelita Albert Einstein
Classification: Uncertain significance. Last evaluated: 2021-09-01. Review status: criteria provided, single submitter. Criteria: ACMG Guidelines, 2015. Collection method: clinical testing. Allele origin: germline. Affected: yes.
Comment: ACMG classification criteria: BP4

Illumina Laboratory Services, Illumina
Classification: Uncertain significance for Brody myopathy. Last evaluated: 2018-01-12. Review status: criteria provided, single submitter. Criteria: ICSL Variant Classification Criteria 13 December 2019. Collection method: clinical testing. Allele origin: germline.

Athena Diagnostics
Classification: Uncertain significance. Last evaluated: 2016-11-07. Review status: criteria provided, single submitter. Criteria: Athena Diagnostics Criteria. Collection method: clinical testing. Allele origin: germline.

NM_004320.6(ATP2A1):c.1208G>A (p.Arg403Gln)

Gene: ATP2A1 (ATPase sarcoplasmic/endoplasmic reticulum Ca2+ transporting 1; plus strand). Cytogenetic location: 16p11.2.
Variant type: single nucleotide variant.
Coding change: c.1208G>A on transcript NM_004320.6 (MANE Select); coding-DNA position 1208, G replaced by A.
Protein change: p.Arg403Gln; replaces arginine 403 with glutamine.
Molecular consequence: missense variant.
Genome position (GRCh38, 1-based): chr16:28,894,528, G>A. VCF-style: chr16-28894528-G-A. GRCh37 (hg19) VCF-style: chr16-28905849-G-A.
Other names: c.833G>A, p.Arg278Gln (NM_001286075.2); c.1208G>A, p.Arg403Gln (NM_173201.5); c.1208G>A (NM_173201.4); short protein forms R403Q, R278Q.
Identifiers: ClinVar variation 318774 (VCV000318774.21), dbSNP rs149009015, ClinGen allele CA7986893.